The following is an entry in ClinVar:

NM_002294.3(LAMP2):c.281C>T (p.Pro94Leu)

Gene: LAMP2 (lysosome associated membrane protein 2; minus strand). Cytogenetic location: Xq24.
Variant type: single nucleotide variant.
Coding change: c.281C>T on transcript NM_002294.3 (MANE Select); coding-DNA position 281, C replaced by T.
Protein change: p.Pro94Leu; replaces proline 94 with leucine.
Molecular consequence: missense variant.
Genome position (GRCh38, 1-based): chrX:120,455,473, G>A on the plus strand (C>T on the coding strand, the complement: LAMP2 is on the minus strand). VCF-style: chrX-120455473-G-A. GRCh37 (hg19) VCF-style: chrX-119589328-G-A.
Other names: c.281C>T, p.Pro94Leu (NM_001122606.1, NM_013995.2); short protein forms P94L.
Identifiers: ClinVar variation 3000142 (VCV003000142.4), dbSNP rs1348977041, ClinGen allele CA414403218.

ClinVar aggregate classification (germline): Uncertain significance. Review status: criteria provided, multiple submitters, no conflicts (2 of 4 stars). 2 submissions from 2 submitters: Uncertain significance (2). Last evaluated 2026-04-11.

Conditions:
Cardiovascular phenotype. Identifiers: MedGen CN230736.
Danon disease. Also called: ANTOPOL DISEASE; PSEUDOGLYCOGENOSIS II; GSD IIb; LYSOSOMAL GLYCOGEN STORAGE DISEASE WITHOUT ACID MALTASE DEFICIENCY; Glycogen Storage Disease Type IIb. Identifiers: Orphanet 34587, MedGen C0878677, MONDO:0010281, OMIM 300257.

Allele frequency attached by ClinVar (database versions not stated): TOPMed 0.00002.

Submissions (2):

Ambry Genetics
Classification: Uncertain significance for Cardiovascular phenotype. Last evaluated: 2026-04-11. Review status: criteria provided, single submitter. Criteria: Ambry Variant Classification Scheme 2023. Collection method: clinical testing. Allele origin: germline.
Comment: The p.P94L variant (also known as c.281C>T), located in coding exon 3 of the LAMP2 gene, results from a C to T substitution at nucleotide position 281. The proline at codon 94 is replaced by leucine, an amino acid with similar properties. This amino acid position is conserved. In addition, this alteration is predicted to be tolerated by in silico analysis. Based on the available evidence, the clinical significance of this variant remains unclear.

Labcorp Genetics (formerly Invitae), Labcorp
Classification: Uncertain significance for Danon disease. Last evaluated: 2025-09-10. Review status: criteria provided, single submitter. Criteria: Invitae Variant Classification Sherloc (09022015). Collection method: clinical testing. Allele origin: germline.
Comment: This sequence change replaces proline, which is neutral and non-polar, with leucine, which is neutral and non-polar, at codon 94 of the LAMP2 protein (p.Pro94Leu). This variant is not present in population databases (gnomAD no frequency). This variant has not been reported in the literature in individuals affected with LAMP2-related conditions. ClinVar contains an entry for this variant (Variation ID: 3000142). Invitae Evidence Modeling of protein sequence and biophysical properties (such as structural, functional, and spatial information, amino acid conservation, physicochemical variation, residue mobility, and thermodynamic stability) indicates that this missense variant is not expected to disrupt LAMP2 protein function with a negative predictive value of 80%. In summary, the available evidence is currently insufficient to determine the role of this variant in disease. Therefore, it has been classified as a Variant of Uncertain Significance.